The following is an entry in ClinVar:

ClinVar aggregate classification (germline): Conflicting classifications of pathogenicity. Review status: criteria provided, conflicting classifications (1 of 4 stars). 7 submissions from 7 submitters: Uncertain significance (6); Likely benign (1). Last evaluated 2026-01-12.

Conditions:
Cardiovascular phenotype. Identifiers: MedGen CN230736.
TTN-related disorder. Also called: TTN-related condition; TTN-related disease; TTN-related disorders.
Autosomal recessive limb-girdle muscular dystrophy type 2J (LGMDR10). Also called: MUSCULAR DYSTROPHY, LIMB-GIRDLE, AUTOSOMAL RECESSIVE 10; Limb-girdle muscular dystrophy, type 2J. Identifiers: Orphanet 140922, MedGen C1837342, MONDO:0012127, OMIM 608807.
Dilated cardiomyopathy 1G (CMD1G). Identifiers: Orphanet 154, MedGen C1858763, MONDO:0011400, OMIM 604145.
Hypertrophic cardiomyopathy 9. Also called: Familial hypertrophic cardiomyopathy 9. Identifiers: MedGen C1861065, MONDO:0013412, OMIM 613765.
Early-onset myopathy with fatal cardiomyopathy (CMYO5). Also called: CONGENITAL MYOPATHY 5 WITH CARDIOMYOPATHY; Salih Myopathy. Identifiers: Orphanet 289377, MedGen C2673677, MONDO:0012714, OMIM 611705. Disease mechanism: loss of function.
Myopathy, myofibrillar, 9, with early respiratory failure (MFM9). Also called: Myopathy, distal, with early respiratory failure, autosomal dominant; EDSTROM MYOPATHY; MYOPATHY, PROXIMAL, WITH EARLY RESPIRATORY MUSCLE INVOLVEMENT; Hereditary myopathy with early respiratory failure. Identifiers: Orphanet 178464, Orphanet 34521, MedGen C1863599, MONDO:0011362, OMIM 603689.
Tibial muscular dystrophy (TMD). Also called: Tibial muscular dystrophy, tardive; UDD MYOPATHY; Udd Distal Myopathy – Tibial Muscular Dystrophy. Identifiers: Orphanet 609, MedGen C1838244, MONDO:0010870, OMIM 600334.

Allele frequency attached by ClinVar (database versions not stated): TOPMed 0.00001; gnomAD 0.00002 and 0.00003; ExAC 0.00005.
gnomAD v4.1: 35 of 1,613,474 alleles (0.0022%); highest among the groups gnomAD compares: Middle Eastern, 0.016%; no homozygotes.

Submissions (7):

PreventionGenetics, part of Exact Sciences
Classification: Uncertain significance for TTN-related condition. Last evaluated: 2026-01-12. Review status: criteria provided, single submitter. Criteria: ACMG Guidelines, 2015. Collection method: clinical testing. Allele origin: germline.
Comment: The TTN c.84976C>T variant is predicted to result in the amino acid substitution p.Arg28326Trp. To our knowledge, this variant has not been reported in the literature. This variant is reported in 0.0056% of alleles in individuals of East Asian descent in gnomAD. At this time, the clinical significance of this variant is uncertain due to the absence of conclusive functional and genetic evidence.

Mayo Clinic Laboratories, Mayo Clinic
Classification: Uncertain significance. Last evaluated: 2025-11-16. Review status: criteria provided, single submitter. Criteria: ACMG Guidelines, 2015. Collection method: clinical testing. Allele origin: germline. Observed: 2 variant alleles.

Revvity Omics, Revvity
Classification: Uncertain significance. Last evaluated: 2024-02-23. Review status: criteria provided, single submitter. Criteria: ACMG Guidelines, 2015. Collection method: clinical testing. Allele origin: germline.

GeneDx
Classification: Likely benign. Last evaluated: 2020-09-21. Review status: criteria provided, single submitter. Criteria: GeneDx Variant Classification Process June 2021. Collection method: clinical testing. Allele origin: germline. Affected: yes.

Ambry Genetics
Classification: Uncertain significance for Cardiovascular phenotype. Last evaluated: 2020-01-07. Review status: criteria provided, single submitter. Criteria: Ambry Variant Classification Scheme 2023. Collection method: clinical testing. Allele origin: germline.
Comment: The p.R19261W variant (also known as c.57781C>T), located in coding exon 153 of the TTN gene, results from a C to T substitution at nucleotide position 57781. The arginine at codon 19261 is replaced by tryptophan, an amino acid with dissimilar properties. This amino acid position is well conserved in available vertebrate species. In addition, the in silico prediction for this alteration is inconclusive. Since supporting evidence is limited at this time, the clinical significance of this alteration remains unclear.

Fulgent Genetics
Classification: Uncertain significance for Tibial muscular dystrophy; Myopathy, myofibrillar, 9, with early respiratory failure; Dilated cardiomyopathy 1G; Autosomal recessive limb-girdle muscular dystrophy type 2J; Early-onset myopathy with fatal cardiomyopathy; Hypertrophic cardiomyopathy 9. Last evaluated: 2018-10-31. Review status: criteria provided, single submitter. Criteria: ACMG Guidelines, 2015. Collection method: clinical testing. Allele origin: unknown.

Labcorp Genetics (formerly Invitae), Labcorp
Classification: Uncertain significance for Dilated cardiomyopathy 1G; Autosomal recessive limb-girdle muscular dystrophy type 2J. Last evaluated: 2017-12-27. Review status: criteria provided, single submitter. Criteria: Invitae Variant Classification Sherloc (09022015). Collection method: clinical testing. Allele origin: germline.

NM_001267550.2(TTN):c.84976C>T (p.Arg28326Trp)

Genes: TTN (titin; minus strand), TTN-AS1 (TTN antisense RNA 1; plus strand). Cytogenetic location: 2q31.2.
Variant type: single nucleotide variant.
Coding change: c.84976C>T on transcript NM_001267550.2 (MANE Select); coding-DNA position 84976, C replaced by T.
Protein change: p.Arg28326Trp; replaces arginine 28326 with tryptophan.
Molecular consequence: missense variant.
Genome position (GRCh38, 1-based): chr2:178,561,156, G>A on the plus strand (C>T on the coding strand, the complement: TTN is on the minus strand). VCF-style: chr2-178561156-G-A. GRCh37 (hg19) VCF-style: chr2-179425883-G-A.
Other names: p.Arg25758Trp; p.Arg26685Trp; c.80053C>T, p.Arg26685Trp (NM_001256850.1); c.57781C>T, p.Arg19261Trp (NM_003319.4); c.77272C>T, p.Arg25758Trp (NM_133378.4); c.58156C>T, p.Arg19386Trp (NM_133432.3); c.58357C>T, p.Arg19453Trp (NM_133437.4); short protein forms R19261W, R28326W, R26685W, R19386W, R19453W, R25758W.
Identifiers: ClinVar variation 264324 (VCV000264324.26), dbSNP rs749633038, ClinGen allele CA1988713.